The following is an entry in ClinVar:

ClinVar aggregate classification (germline): Benign. Review status: criteria provided, multiple submitters, no conflicts (2 of 4 stars). 2 submissions from 2 submitters: Benign (2). Last evaluated 2018-06-14.

Allele frequency attached by ClinVar (database versions not stated): gnomAD exomes 0.22629; gnomAD 0.32171 and 0.32201; TOPMed 0.33286; 1000 Genomes Project 0.41673; 1000 Genomes Project 30x 0.42052.
gnomAD v4.1: 216,320 of 889,372 alleles (24%); highest among the groups gnomAD compares: African/African-American, 60%; 32,776 homozygotes.

Submissions (2):

GeneDx
Classification: Benign. Last evaluated: 2018-06-14. Review status: criteria provided, single submitter. Criteria: GeneDx Variant Classification (06012015). Collection method: clinical testing. Allele origin: germline. Affected: yes.
Comment: This variant is considered likely benign or benign based on one or more of the following criteria: it is a conservative change, it occurs at a poorly conserved position in the protein, it is predicted to be benign by multiple in silico algorithms, and/or has population frequency not consistent with disease.

Breakthrough Genomics
Classification: Benign. Review status: criteria provided, single submitter. Criteria: ACMG Guidelines, 2015. Collection method: not provided. Allele origin: germline. Inheritance: Autosomal recessive inheritance. Affected: yes.

NM_005045.4(RELN):c.6303-86G>T

Gene: RELN (reelin; minus strand). Cytogenetic location: 7q22.1.
Variant type: single nucleotide variant.
Coding change: c.6303-86G>T on transcript NM_005045.4 (MANE Select); 86 bases into the intron before coding-DNA position 6303, G replaced by T.
Molecular consequence: intron variant.
Genome position (GRCh38, 1-based): chr7:103,545,430, C>A on the plus strand (G>T on the coding strand, the complement: RELN is on the minus strand). VCF-style: chr7-103545430-C-A. GRCh37 (hg19) VCF-style: chr7-103185877-C-A.
Other names: c.6303-86G>T (NM_173054.3).
Identifiers: ClinVar variation 674180 (VCV000674180.2), dbSNP rs362719, ClinGen allele CA16309846.